The following is an entry in ClinVar:

NM_001113378.2(FANCI):c.2198C>G (p.Thr733Ser)

Gene: FANCI (FA complementation group I; plus strand). Cytogenetic location: 15q26.1.
Variant type: single nucleotide variant.
Coding change: c.2198C>G on transcript NM_001113378.2 (MANE Select); coding-DNA position 2198, C replaced by G.
Protein change: p.Thr733Ser; replaces threonine 733 with serine.
Molecular consequence: missense variant.
Genome position (GRCh38, 1-based): chr15:89,292,970, C>G. VCF-style: chr15-89292970-C-G. GRCh37 (hg19) VCF-style: chr15-89836201-C-G.
Other names: c.1919C>G, p.Thr640Ser (NM_001376910.1); c.2198C>G, p.Thr733Ser (NM_001376911.1, NM_018193.3); short protein forms T640S, T733S.
Identifiers: ClinVar variation 2722648 (VCV002722648.3), dbSNP rs756322546, ClinGen allele CA7723312.

ClinVar aggregate classification (germline): Uncertain significance (1 of 4 stars; one submission).

Conditions:
Fanconi anemia (FA). Also called: Fanconi's anemia. Identifiers: Orphanet 84, MedGen C0015625, MeSH D005199, MONDO:0019391.

Allele frequency attached by ClinVar (database versions not stated): gnomAD exomes below 0.00001; TOPMed below 0.00001; ExAC 0.00001; gnomAD 0.00001.
gnomAD v4.1: 2 of 1,613,854 alleles (0.00012%); highest among the groups gnomAD compares: Non-Finnish European, 0.00017%; no homozygotes.

Submission:

Labcorp Genetics (formerly Invitae), Labcorp
Classification: Uncertain significance for Fanconi anemia. Last evaluated: 2023-06-04. Review status: criteria provided, single submitter. Criteria: Invitae Variant Classification Sherloc (09022015). Collection method: clinical testing. Allele origin: germline.
Comment: In summary, the available evidence is currently insufficient to determine the role of this variant in disease. Therefore, it has been classified as a Variant of Uncertain Significance. Advanced modeling of protein sequence and biophysical properties (such as structural, functional, and spatial information, amino acid conservation, physicochemical variation, residue mobility, and thermodynamic stability) performed at Invitae indicates that this missense variant is not expected to disrupt FANCI protein function. This sequence change replaces threonine, which is neutral and polar, with serine, which is neutral and polar, at codon 733 of the FANCI protein (p.Thr733Ser). This variant is present in population databases (rs756322546, gnomAD 0.0009%). This variant has not been reported in the literature in individuals affected with FANCI-related conditions.